The following is an entry in ClinVar:

NM_000094.4(COL7A1):c.4293C>G (p.Ser1431Arg)

Gene: COL7A1 (collagen type VII alpha 1 chain; minus strand). Cytogenetic location: 3p21.31.
Variant type: single nucleotide variant.
Coding change: c.4293C>G on transcript NM_000094.4 (MANE Select); coding-DNA position 4293, C replaced by G.
Protein change: p.Ser1431Arg; replaces serine 1431 with arginine.
Molecular consequence: missense variant.
Genome position (GRCh38, 1-based): chr3:48,583,766, G>C on the plus strand (C>G on the coding strand, the complement: COL7A1 is on the minus strand). VCF-style: chr3-48583766-G-C. GRCh37 (hg19) VCF-style: chr3-48621199-G-C.
Other names: short protein forms S1431R.
Identifiers: ClinVar variation 1914374 (VCV001914374.5), dbSNP rs1313079443, ClinGen allele CA352693644.

ClinVar aggregate classification (germline): Uncertain significance (1 of 4 stars; one submission).

Submission:

Labcorp Genetics (formerly Invitae), Labcorp
Classification: Uncertain significance. Last evaluated: 2024-03-29. Review status: criteria provided, single submitter. Criteria: Invitae Variant Classification Sherloc (09022015). Collection method: clinical testing. Allele origin: germline.
Comment: This sequence change replaces serine, which is neutral and polar, with arginine, which is basic and polar, at codon 1431 of the COL7A1 protein (p.Ser1431Arg). This variant is not present in population databases (gnomAD no frequency). This variant has not been reported in the literature in individuals affected with COL7A1-related conditions. ClinVar contains an entry for this variant (Variation ID: 1914374). Advanced modeling of protein sequence and biophysical properties (such as structural, functional, and spatial information, amino acid conservation, physicochemical variation, residue mobility, and thermodynamic stability) performed at Invitae indicates that this missense variant is not expected to disrupt COL7A1 protein function with a negative predictive value of 95%. In summary, the available evidence is currently insufficient to determine the role of this variant in disease. Therefore, it has been classified as a Variant of Uncertain Significance.